The following is an entry in ClinVar:

ClinVar aggregate classification (germline): Conflicting classifications of pathogenicity. Review status: criteria provided, conflicting classifications (1 of 4 stars). 3 submissions from 3 submitters: Uncertain significance (1); Likely benign (2). Last evaluated 2026-06-08.

Conditions:
PLD1-related disorder. Also called: PLD1-related condition.
Cardiac valvular defect, developmental (CVDP1). Also called: CARDIAC VALVULAR DYSPLASIA 1. Identifiers: MedGen C5774175, MONDO:0008913, OMIM 212093.

Allele frequency attached by ClinVar (database versions not stated): gnomAD below 0.00001 and 0.00019; TOPMed 0.00007; gnomAD exomes 0.00028 and 0.00057; ExAC 0.00068; 1000 Genomes Project 30x 0.00109; 1000 Genomes Project 0.00120.
gnomAD v4.1: 445 of 1,614,150 alleles (0.028%); highest among the groups gnomAD compares: South Asian, 0.46%; 3 homozygotes.

Submissions (3):

PreventionGenetics, part of Exact Sciences
Classification: Likely benign for PLD1-related condition. Last evaluated: 2026-06-08. Review status: criteria provided, single submitter. Criteria: ACMG Guidelines, 2015. Collection method: clinical testing. Allele origin: germline.
Comment: This variant is classified as likely benign based on ACMG/AMP sequence variant interpretation guidelines (Richards et al. 2015 PMID: 25741868, with internal and published modifications).

Revvity Omics, Revvity
Classification: Uncertain significance for Cardiac valvular defect, developmental. Last evaluated: 2024-02-22. Review status: criteria provided, single submitter. Criteria: ACMG Guidelines, 2015. Collection method: clinical testing. Allele origin: germline.

Labcorp Genetics (formerly Invitae), Labcorp
Classification: Likely benign. Last evaluated: 2019-12-31. Review status: criteria provided, single submitter. Criteria: Invitae Variant Classification Sherloc (09022015). Collection method: clinical testing. Allele origin: germline.

NM_002662.5(PLD1):c.2852T>A (p.Phe951Tyr)

Gene: PLD1 (phospholipase D1; minus strand). Cytogenetic location: 3q26.31.
Variant type: single nucleotide variant.
Coding change: c.2852T>A on transcript NM_002662.5 (MANE Select); coding-DNA position 2852, T replaced by A.
Protein change: p.Phe951Tyr; replaces phenylalanine 951 with tyrosine.
Molecular consequence: missense variant.
Genome position (GRCh38, 1-based): chr3:171,612,309, A>T on the plus strand (T>A on the coding strand, the complement: PLD1 is on the minus strand). VCF-style: chr3-171612309-A-T. GRCh37 (hg19) VCF-style: chr3-171330099-A-T.
Other names: c.2738T>A, p.Phe913Tyr (NM_001130081.3); short protein forms F913Y, F951Y.
Identifiers: ClinVar variation 753438 (VCV000753438.6), dbSNP rs536513156, ClinGen allele CA2704107.